The following is an entry in ClinVar:

ClinVar aggregate classification (germline): Uncertain significance (1 of 4 stars; one submission).

Allele frequency attached by ClinVar (database versions not stated): gnomAD exomes below 0.00001.
gnomAD v4.1: 1 of 1,613,556 alleles (0.000062%); highest among the groups gnomAD compares: East Asian, 0.0022%; no homozygotes.

Submission:

Labcorp Genetics (formerly Invitae), Labcorp
Classification: Uncertain significance. Last evaluated: 2025-02-25. Review status: criteria provided, single submitter. Criteria: Invitae Variant Classification Sherloc (09022015). Collection method: clinical testing. Allele origin: germline.
Comment: This sequence change replaces serine, which is neutral and polar, with alanine, which is neutral and non-polar, at codon 411 of the WHRN protein (p.Ser411Ala). This variant is not present in population databases (gnomAD no frequency). This variant has not been reported in the literature in individuals affected with WHRN-related conditions. ClinVar contains an entry for this variant (Variation ID: 1463133). An algorithm developed to predict the effect of missense changes on protein structure and function (PolyPhen-2) suggests that this variant is likely to be disruptive. In summary, the available evidence is currently insufficient to determine the role of this variant in disease. Therefore, it has been classified as a Variant of Uncertain Significance.

NM_015404.4(WHRN):c.1231T>G (p.Ser411Ala)

Gene: WHRN (whirlin; minus strand). Cytogenetic location: 9q32.
Variant type: single nucleotide variant.
Coding change: c.1231T>G on transcript NM_015404.4 (MANE Select); coding-DNA position 1231, T replaced by G.
Protein change: p.Ser411Ala; replaces serine 411 with alanine.
Molecular consequence: missense variant.
Genome position (GRCh38, 1-based): chr9:114,424,519, A>C on the plus strand (T>G on the coding strand, the complement: WHRN is on the minus strand). VCF-style: chr9-114424519-A-C. GRCh37 (hg19) VCF-style: chr9-117186799-A-C.
Other names: c.82T>G, p.Ser28Ala (NM_001083885.3); c.1231T>G, p.Ser411Ala (NM_001173425.2); c.178T>G, p.Ser60Ala (NM_001346890.1); short protein forms S411A, S28A, S60A.
Identifiers: ClinVar variation 1463133 (VCV001463133.6), dbSNP rs2132378594, ClinGen allele CA374609132.